The following is an entry in ClinVar:

NM_000138.5(FBN1):c.682C>T (p.Pro228Ser)

Gene: FBN1 (fibrillin 1; minus strand). Cytogenetic location: 15q21.1.
Variant type: single nucleotide variant.
Coding change: c.682C>T on transcript NM_000138.5 (MANE Select); coding-DNA position 682, C replaced by T.
Protein change: p.Pro228Ser; replaces proline 228 with serine.
Molecular consequence: missense variant.
Genome position (GRCh38, 1-based): chr15:48,537,665, G>A on the plus strand (C>T on the coding strand, the complement: FBN1 is on the minus strand). VCF-style: chr15-48537665-G-A. GRCh37 (hg19) VCF-style: chr15-48829862-G-A.
Other names: c.682C>T, p.Pro228Ser (NM_001406716.1, NM_001406717.1); short protein forms P228S.
Identifiers: ClinVar variation 2924118 (VCV002924118.3), dbSNP rs2505661252, ClinGen allele CA392445890.

ClinVar aggregate classification (germline): Uncertain significance (1 of 4 stars; one submission).

Conditions:
Marfan syndrome (MFS). Also called: MARFAN SYNDROME, TYPE I; Marfan syndrome type 1; Marfan's syndrome; Marfan syndrome, classic; FBN1-Related Marfan Syndrome. Identifiers: Orphanet 284963, Orphanet 558, MedGen C0024796, MONDO:0007947, OMIM 154700.
Familial thoracic aortic aneurysm and aortic dissection (TAAD). Also called: Thoracic aortic aneurysms and dissections. Identifiers: Orphanet 91387, MedGen C4707243, MONDO:0019625.

Submission:

Labcorp Genetics (formerly Invitae), Labcorp
Classification: Uncertain significance for Marfan syndrome; Familial thoracic aortic aneurysm and aortic dissection. Last evaluated: 2023-04-09. Review status: criteria provided, single submitter. Criteria: Invitae Variant Classification Sherloc (09022015). Collection method: clinical testing. Allele origin: germline.
Comment: In summary, the available evidence is currently insufficient to determine the role of this variant in disease. Therefore, it has been classified as a Variant of Uncertain Significance. Advanced modeling of protein sequence and biophysical properties (such as structural, functional, and spatial information, amino acid conservation, physicochemical variation, residue mobility, and thermodynamic stability) performed at Invitae indicates that this missense variant is expected to disrupt FBN1 protein function. This variant has not been reported in the literature in individuals affected with FBN1-related conditions. This variant is not present in population databases (gnomAD no frequency). This sequence change replaces proline, which is neutral and non-polar, with serine, which is neutral and polar, at codon 228 of the FBN1 protein (p.Pro228Ser).